The following is an entry in ClinVar:

NM_152384.3(BBS5):c.360T>G (p.Leu120=)

Gene: BBS5 (Bardet-Biedl syndrome 5; plus strand). Cytogenetic location: 2q31.1.
Variant type: single nucleotide variant.
Coding change: c.360T>G on transcript NM_152384.3 (MANE Select); coding-DNA position 360, T replaced by G.
Protein change: p.Leu120=; no amino-acid change (leucine 120 retained).
Molecular consequence: synonymous variant.
Genome position (GRCh38, 1-based): chr2:169,488,088, T>G. VCF-style: chr2-169488088-T-G. GRCh37 (hg19) VCF-style: chr2-170344598-T-G.
Identifiers: ClinVar variation 3355523 (VCV003355523.1).

ClinVar aggregate classification (germline): Likely benign (0 of 4 stars; one submission).

Conditions:
BBS5-related disorder. Also called: BBS5-related condition.

gnomAD v4.1: 1 of 1,613,394 alleles (0.000062%); highest among the groups gnomAD compares: Non-Finnish European, 0.000085%; no homozygotes.

Submission:

PreventionGenetics, part of Exact Sciences
Classification: Likely benign for BBS5-related condition. Last evaluated: 2022-02-17. Review status: no assertion criteria provided. Collection method: clinical testing. Allele origin: germline.
Comment: This variant is classified as likely benign based on ACMG/AMP sequence variant interpretation guidelines (Richards et al. 2015 PMID: 25741868, with internal and published modifications).